The following is an entry in ClinVar:

ClinVar aggregate classification (germline): Pathogenic (1 of 4 stars; one submission).

Conditions:
Hereditary cancer-predisposing syndrome. Also called: Neoplastic Syndromes, Hereditary; Tumor predisposition; Hereditary Cancer Syndrome; Hereditary neoplastic syndrome. Identifiers: Orphanet 140162, MedGen C0027672, MeSH D009386, MONDO:0015356.
Cardiovascular phenotype. Identifiers: MedGen CN230736.

Allele frequency attached by ClinVar (database versions not stated): gnomAD exomes below 0.00001.

Submission:

Ambry Genetics
Classification: Pathogenic for Cardiovascular phenotype; Hereditary cancer-predisposing syndrome. Last evaluated: 2022-10-21. Review status: criteria provided, single submitter. Criteria: Ambry Variant Classification Scheme 2023. Collection method: clinical testing. Allele origin: germline.
Comment: The p.Q633* pathogenic mutation (also known as c.1897C>T), located in coding exon 16 of the LZTR1 gene, results from a C to T substitution at nucleotide position 1897. This changes the amino acid from a glutamine to a stop codon within coding exon 16. This alteration is expected to result in loss of function by premature protein truncation or nonsense-mediated mRNA decay. Loss-of-function variants in LZTR1 are related to an increased risk for schwannomas and autosomal recessive Noonan syndrome; however, such associations with autosomal dominant Noonan syndrome have not been observed (Piotrowski A et al. Nat Genet. 2014 Feb;46:182-7; Yamamoto GL et al. J Med Genet. 2015 Jun;52:413-21; Johnston JJ et al. Genet Med. 2018 10;20:1175-1185). Based on the supporting evidence, this variant is pathogenic for an increased risk of LZTR1-related schwannomatosis (SWN) and would be expected to cause autosomal recessive Noonan syndrome when present along with a second pathogenic or likely pathogenic variant on the other allele; however, the association of this alteration with autosomal dominant Noonan syndrome is unlikely.

NM_006767.4(LZTR1):c.1897C>T (p.Gln633Ter)

Gene: LZTR1 (leucine zipper like post translational regulator 1; plus strand). Cytogenetic location: 22q11.21.
Variant type: single nucleotide variant.
Coding change: c.1897C>T on transcript NM_006767.4 (MANE Select); coding-DNA position 1897, C replaced by T.
Protein change: p.Gln633Ter; replaces glutamine 633 with a stop codon.
Molecular consequence: nonsense.
Genome position (GRCh38, 1-based): chr22:20,994,981, C>T. VCF-style: chr22-20994981-C-T. GRCh37 (hg19) VCF-style: chr22-21349270-C-T.
Other names: short protein forms Q633*.
Identifiers: ClinVar variation 1782181 (VCV001782181.2), dbSNP rs2518622598, ClinGen allele CA410778685.